The following is an entry in ClinVar:

ClinVar aggregate classification (germline): Uncertain significance (1 of 4 stars; one submission).

Conditions:
Severe early-onset pulmonary alveolar proteinosis due to MARS deficiency. Also called: PULMONARY ALVEOLAR PROTEINOSIS, REUNION ISLAND; Interstitial lung and liver disease. Identifiers: Orphanet 440427, MedGen C4225400, MONDO:0014206, OMIM 615486.
Charcot-Marie-Tooth disease axonal type 2U. Also called: CHARCOT-MARIE-TOOTH NEUROPATHY, TYPE 2U; CHARCOT-MARIE-TOOTH DISEASE, AXONAL, AUTOSOMAL DOMINANT, TYPE 2U. Identifiers: Orphanet 397735, MedGen C4084821, MONDO:0014566, OMIM 616280.

Submission:

Labcorp Genetics (formerly Invitae), Labcorp
Classification: Uncertain significance for Charcot-Marie-Tooth disease axonal type 2U; Severe early-onset pulmonary alveolar proteinosis due to MARS deficiency. Last evaluated: 2025-02-12. Review status: criteria provided, single submitter. Criteria: Invitae Variant Classification Sherloc (09022015). Collection method: clinical testing. Allele origin: germline.
Comment: This sequence change replaces glycine, which is neutral and non-polar, with glutamic acid, which is acidic and polar, at codon 570 of the MARS protein (p.Gly570Glu). This variant is not present in population databases (gnomAD no frequency). This variant has not been reported in the literature in individuals affected with MARS-related conditions. An algorithm developed to predict the effect of missense changes on protein structure and function (PolyPhen-2) suggests that this variant is likely to be disruptive. In summary, the available evidence is currently insufficient to determine the role of this variant in disease. Therefore, it has been classified as a Variant of Uncertain Significance.

NM_004990.4(MARS1):c.1709G>A (p.Gly570Glu)

Gene: MARS1 (methionyl-tRNA synthetase 1; plus strand). Cytogenetic location: 12q13.3.
Variant type: single nucleotide variant.
Coding change: c.1709G>A on transcript NM_004990.4 (MANE Select); coding-DNA position 1709, G replaced by A.
Protein change: p.Gly570Glu; replaces glycine 570 with glutamic acid.
Molecular consequence: missense variant.
Genome position (GRCh38, 1-based): chr12:57,512,309, G>A. VCF-style: chr12-57512309-G-A. GRCh37 (hg19) VCF-style: chr12-57906092-G-A.
Other names: short protein forms G570E.
Identifiers: ClinVar variation 4784145 (VCV004784145.1).